The following is an entry in ClinVar:

NM_016507.4(CDK12):c.1478A>G (p.Lys493Arg)

Gene: CDK12 (cyclin dependent kinase 12; plus strand). Cytogenetic location: 17q12.
Variant type: single nucleotide variant.
Coding change: c.1478A>G on transcript NM_016507.4 (MANE Select); coding-DNA position 1478, A replaced by G.
Protein change: p.Lys493Arg; replaces lysine 493 with arginine.
Molecular consequence: missense variant.
Genome position (GRCh38, 1-based): chr17:39,471,310, A>G. VCF-style: chr17-39471310-A-G. GRCh37 (hg19) VCF-style: chr17-37627563-A-G.
Other names: c.1478A>G, p.Lys493Arg (NM_015083.4); short protein forms K493R.
Identifiers: ClinVar variation 5034108 (VCV005034108.1).
Genomic context (GRCh38, chr17:39,471,310, plus strand): 5'-AAAATTCTTCAGATACAGGGAAAGTAAAGTTGGATGAGAACTCCGAGAAGCATCTTGTTA[A>G]AGATTTGAAAGCACAGGGAACAAGAGACTCTAAACCCATAGCACTGAAAGAGGAGATTGT-3'
Protein context (NP_057591.2, residues 483-503): LDENSEKHLV[Lys493Arg]DLKAQGTRDS

ClinVar aggregate classification (germline): Uncertain significance (1 of 4 stars; one submission).

Submission:

Ambry Genetics
Classification: Uncertain significance. Last evaluated: 2026-07-21. Review status: criteria provided, single submitter. Criteria: Ambry Variant Classification Scheme 2023. Collection method: clinical testing. Allele origin: germline.
Comment: The p.K493R variant (also known as c.1478A>G), located in coding exon 2 of the CDK12 gene, results from an A to G substitution at nucleotide position 1478. The lysine at codon 493 is replaced by arginine, an amino acid with highly similar properties. This amino acid position is conserved. In addition, this alteration is predicted to be tolerated by in silico analysis. Based on the available evidence, the clinical significance of this variant remains unclear.